The following is an entry in ClinVar:

NM_000492.4(CFTR):c.2684G>C (p.Ser895Thr)

Gene: CFTR (CF transmembrane conductance regulator; plus strand). Cytogenetic location: 7q31.2.
Variant type: single nucleotide variant.
Coding change: c.2684G>C on transcript NM_000492.4 (MANE Select); coding-DNA position 2684, G replaced by C.
Protein change: p.Ser895Thr; replaces serine 895 with threonine.
Molecular consequence: missense variant.
Genome position (GRCh38, 1-based): chr7:117,603,558, G>C. VCF-style: chr7-117603558-G-C. GRCh37 (hg19) VCF-style: chr7-117243612-G-C.
Other names: short protein forms S895T.
Identifiers: ClinVar variation 811080 (VCV000811080.25), dbSNP rs201864483, ClinGen allele CA4451273.
Genomic context (GRCh38, chr7:117,603,558, plus strand): 5'-GCTGCCAAATAACGATTTCCTATTTGCTTTACAGCACTCCTCTTCAAGACAAAGGGAATA[G>C]TACTCATAGTAGAAATAACAGCTATGCAGTGATTATCACCAGCACCAGTTCGTATTATGT-3'
Protein context (NP_000483.3, residues 885-905): GNTPLQDKGN[Ser895Thr]THSRNNSYAV

ClinVar aggregate classification (germline): Uncertain significance. Review status: criteria provided, multiple submitters, no conflicts (2 of 4 stars). 9 submissions from 9 submitters: Uncertain significance (8). 1 of the submissions does not count toward it. Last evaluated 2025-04-17.

Conditions:
Bronchiectasis with or without elevated sweat chloride 1 (BESC1). Also called: Cystic Fibrosis-Like Syndrome. Identifiers: Orphanet 60033, MedGen C2749757, MONDO:0008887, OMIM 211400.
Cystic fibrosis (CF). Also called: MUCOVISCIDOSIS. Identifiers: Orphanet 586, MedGen C0010674, MONDO:0009061, OMIM 219700. Disease mechanism: loss of function.
Hereditary pancreatitis (PCTT). Also called: Hereditary chronic pancreatitis; PRSS1-Related Hereditary Pancreatitis. Identifiers: Orphanet 676, MedGen C0238339, MONDO:0008185, OMIM 167800.
Congenital bilateral aplasia of vas deferens from CFTR mutation (CBAVD). Identifiers: Orphanet 48, MedGen C0403814, MONDO:0010178, OMIM 277180. Disease mechanism: loss of function.
CFTR-related disorder (CFTR-RD). Also called: CFTR-related condition; CFTR-related disorders. Identifiers: MedGen C5924204, MONDO:7770004.
Cystic fibrosis diagnostic test.

Allele frequency attached by ClinVar (database versions not stated): TOPMed 0.00002.
gnomAD v4.1: 433 of 1,613,842 alleles (0.027%); highest among the groups gnomAD compares: Non-Finnish European, 0.036%; no homozygotes.

Submissions (9):

Cambridge Genomics Laboratory, East Genomic Laboratory Hub, NHS Genomic Medicine Service
Classification: Uncertain significance for Cystic fibrosis diagnostic test. Last evaluated: 2025-04-17. Review status: criteria provided, single submitter. Criteria: ACGS Best Practice Guidelines for Variant Classification in Rare Disease 2020. Collection method: clinical testing. Allele origin: germline. Affected: yes.

Ambry Genetics
Classification: Uncertain significance for Cystic fibrosis. Last evaluated: 2024-12-31. Review status: criteria provided, single submitter. Criteria: Ambry Variant Classification Scheme 2023. Collection method: clinical testing. Allele origin: germline.
Comment: The p.S895T variant (also known as c.2684G>C), located in coding exon 17 of the CFTR gene, results from a G to C substitution at nucleotide position 2684. The serine at codon 895 is replaced by threonine, an amino acid with similar properties. This variant has been reported in azoospermia, autoimmune pancreatitis, and healthy population cohorts; however, clinical details were limited (Modiano G et al. Eur. J. Hum. Genet., 2005 Feb;13:184-92; Pompei F et al. Eur. J. Hum. Genet., 2006 Jan;14:85-93; Ni B et al. Hum. Mol. Genet., 2015 Oct;24:5628-36; Chang MC et al. J. Cyst. Fibros., 2015 Sep;14:661-7). This amino acid position is not well conserved in available vertebrate species, and threonine is the reference amino acid in other vertebrate species. In addition, this alteration is predicted to be tolerated by in silico analysis. Based on the available evidence, the clinical significance of this variant remains unclear.

ARUP Laboratories, Molecular Genetics and Genomics, ARUP Laboratories
Classification: Uncertain significance. Last evaluated: 2024-10-02. Review status: criteria provided, single submitter. Criteria: ARUP Molecular Germline Variant Investigation Process 2024. Collection method: clinical testing. Allele origin: germline.
Comment: The CFTR c.2684G>C; p.Ser895Thr variant (rs201864483, ClinVar Variation ID: 811080), has not been reported in the literature in individuals affected with cystic fibrosis or pancreatitis, but it has been observed in an unaffected control individual (Le Marechal 2001). This variant is found in the non-Finnish European population with an overall allele frequency of 0.009% (12/129088 alleles) in the Genome Aggregation Database (v2.1.1). Computational analyses are uncertain whether this variant is neutral or deleterious (REVEL: 0.452). However, due to limited information, the clinical significance of the p.Ser895Thr variant is uncertain at this time. References: Le Marechal C et al. Complete and rapid scanning of the cystic fibrosis transmembrane conductance regulator (CFTR) gene by denaturing high-performance liquid chromatography (D-HPLC): major implications for genetic counselling. Hum Genet. 2001 Apr;108(4):290-8. PMID: 11379874.

Fulgent Genetics
Classification: Uncertain significance for Hereditary pancreatitis; Bronchiectasis with or without elevated sweat chloride 1; Cystic fibrosis; Congenital bilateral aplasia of vas deferens from CFTR mutation. Last evaluated: 2022-02-23. Review status: criteria provided, single submitter. Criteria: ACMG Guidelines, 2015. Collection method: clinical testing. Allele origin: unknown.

Genome-Nilou Lab
Classification: Uncertain significance for Cystic fibrosis. Last evaluated: 2021-09-05. Review status: criteria provided, single submitter. Criteria: ACMG Guidelines, 2015. Collection method: clinical testing. Allele origin: germline. Affected: no.

Labcorp Genetics (formerly Invitae), Labcorp
Classification: Uncertain significance for Cystic fibrosis. Last evaluated: 2021-08-20. Review status: criteria provided, single submitter. Criteria: Invitae Variant Classification Sherloc (09022015). Collection method: clinical testing. Allele origin: germline.
Comment: This sequence change replaces serine with threonine at codon 895 of the CFTR protein (p.Ser895Thr). The serine residue is weakly conserved and there is a small physicochemical difference between serine and threonine. This variant is present in population databases (rs201864483, ExAC 0.009%). This variant has not been reported in the literature in individuals affected with CFTR-related conditions. Algorithms developed to predict the effect of missense changes on protein structure and function output the following: SIFT: "Tolerated"; PolyPhen-2: "Benign"; Align-GVGD: "Class C0". The threonine amino acid residue is found in multiple mammalian species, which suggests that this missense change does not adversely affect protein function. In summary, the available evidence is currently insufficient to determine the role of this variant in disease. Therefore, it has been classified as a Variant of Uncertain Significance.

Quest Diagnostics Nichols Institute San Juan Capistrano
Classification: Uncertain significance. Last evaluated: 2021-07-22. Review status: criteria provided, single submitter. Criteria: Quest Diagnostics criteria. Collection method: clinical testing. Allele origin: unknown.

Illumina Laboratory Services, Illumina
Classification: Uncertain significance for CFTR-Related Disorders. Last evaluated: 2017-04-27. Review status: criteria provided, single submitter. Criteria: ICSL Variant Classification Criteria 13 December 2019. Collection method: clinical testing. Allele origin: germline.
Comment: This variant was observed as part of a predisposition screen in an ostensibly healthy population. A literature search was performed for the gene, cDNA change, and amino acid change (where applicable). Publications were found based on this search. However, the evidence from the literature, in combination with allele frequency data from public databases where available, was not sufficient to rule this variant in or out of causing disease. Therefore, this variant is classified as a variant of unknown significance.

Natera, Inc.
Classification: Uncertain significance for CFTR-related disorders. Last evaluated: 2018-06-13. Review status: no assertion criteria provided. Collection method: clinical testing. Allele origin: germline. Not counted in ClinVar's aggregate classification.

Literature cited by the submitters: PubMed 10925568 (cited by Ambry Genetics and Illumina Laboratory Services, Illumina); PubMed 15536480 (cited by Ambry Genetics); PubMed 16251901 (cited by Ambry Genetics); PubMed 25869325 (cited by Ambry Genetics and Quest Diagnostics Nichols Institute San Juan Capistrano); PubMed 26199320 (cited by Ambry Genetics); PubMed 11379874 (cited by Quest Diagnostics Nichols Institute San Juan Capistrano).